The following is an entry in ClinVar:

NM_018127.7(ELAC2):c.738+17G>A

Gene: ELAC2 (elaC ribonuclease Z 2; minus strand). Cytogenetic location: 17p12.
Variant type: single nucleotide variant.
Coding change: c.738+17G>A on transcript NM_018127.7 (MANE Select); 17 bases into the intron after coding-DNA position 738, G replaced by A.
Molecular consequence: intron variant.
Genome position (GRCh38, 1-based): chr17:13,010,596, C>T on the plus strand (G>A on the coding strand, the complement: ELAC2 is on the minus strand). VCF-style: chr17-13010596-C-T. GRCh37 (hg19) VCF-style: chr17-12913913-C-T.
Other names: c.618+17G>A (NM_001165962.2); c.738+17G>A (NM_173717.2).
Identifiers: ClinVar variation 388749 (VCV000388749.5), dbSNP rs761089421, ClinGen allele CA8401529.

ClinVar aggregate classification (germline): Likely benign. Review status: criteria provided, multiple submitters, no conflicts (2 of 4 stars). 2 submissions from 2 submitters: Likely benign (2). Last evaluated 2025-08-26.

Conditions:
Combined oxidative phosphorylation defect type 17. Also called: Combined oxidative phosphorylation deficiency 17. Identifiers: Orphanet 369913, MedGen C3809526, MONDO:0014190, OMIM 615440.

Allele frequency attached by ClinVar (database versions not stated): ExAC 0.00002; gnomAD exomes 0.00002; gnomAD 0.00005; TOPMed 0.00005.
gnomAD v4.1: 26 of 1,613,468 alleles (0.0016%); highest among the groups gnomAD compares: East Asian, 0.013%; no homozygotes.

Submissions (2):

Labcorp Genetics (formerly Invitae), Labcorp
Classification: Likely benign for Combined oxidative phosphorylation defect type 17. Last evaluated: 2025-08-26. Review status: criteria provided, single submitter. Criteria: Invitae Variant Classification Sherloc (09022015). Collection method: clinical testing. Allele origin: germline.

GeneDx
Classification: Likely benign. Last evaluated: 2016-10-20. Review status: criteria provided, single submitter. Criteria: GeneDx Variant Classification (06012015). Collection method: clinical testing. Allele origin: germline. Affected: yes.
Comment: This variant is considered likely benign or benign based on one or more of the following criteria: it is a conservative change, it occurs at a poorly conserved position in the protein, it is predicted to be benign by multiple in silico algorithms, and/or has population frequency not consistent with disease.